The following is an entry in ClinVar:

ClinVar aggregate classification (germline): Likely benign (1 of 4 stars; one submission).

Allele frequency attached by ClinVar (database versions not stated): 1000 Genomes Project 30x 0.00016; ExAC 0.00016; 1000 Genomes Project 0.00020; gnomAD 0.00021; TOPMed 0.00025; ESP Exome Variant Server 0.00038; gnomAD exomes 0.00057.
gnomAD v4.1: 849 of 1,605,512 alleles (0.053%); highest among the groups gnomAD compares: Non-Finnish European, 0.069%; 2 homozygotes.

Submission:

CeGaT Center for Human Genetics Tuebingen
Classification: Likely benign. Last evaluated: 2022-09-01. Review status: criteria provided, single submitter. Criteria: CeGaT Center For Human Genetics Tuebingen Variant Classification Criteria Version 2. Collection method: clinical testing. Allele origin: germline. Affected: yes. Observed: 1 variant allele.
Comment: STXBP5: BP4, BS2

NM_001127715.4(STXBP5):c.631-6T>C

Gene: STXBP5 (syntaxin binding protein 5; plus strand). Cytogenetic location: 6q24.3.
Variant type: single nucleotide variant.
Coding change: c.631-6T>C on transcript NM_001127715.4 (MANE Select); 6 bases into the intron before coding-DNA position 631, T replaced by C.
Molecular consequence: intron variant.
Genome position (GRCh38, 1-based): chr6:147,267,078, T>C. VCF-style: chr6-147267078-T-C. GRCh37 (hg19) VCF-style: chr6-147588214-T-C.
Other names: c.631-6T>C (NM_001394409.1, NM_139244.6).
Identifiers: ClinVar variation 2656980 (VCV002656980.24), dbSNP rs199525704, ClinGen allele CA4038797.